The following is an entry in ClinVar:

NM_001453.3(FOXC1):c.392C>A (p.Ser131Ter)

Gene: FOXC1 (forkhead box C1; plus strand). Cytogenetic location: 6p25.3.
Variant type: single nucleotide variant.
Coding change: c.392C>A on transcript NM_001453.3 (MANE Select); coding-DNA position 392, C replaced by A.
Protein change: p.Ser131Ter; replaces serine 131 with a stop codon.
Molecular consequence: nonsense.
Genome position (GRCh38, 1-based): chr6:1,610,837, C>A. VCF-style: chr6-1610837-C-A. GRCh37 (hg19) VCF-style: chr6-1611072-C-A.
Other names: short protein forms S131*.
Identifiers: ClinVar variation 1711928 (VCV001711928.2), dbSNP rs104893957, ClinGen allele CA362558717.

ClinVar aggregate classification (germline): Pathogenic (1 of 4 stars; one submission).

Submission:

GeneDx
Classification: Pathogenic. Last evaluated: 2022-04-18. Review status: criteria provided, single submitter. Criteria: GeneDx Variant Classification Process June 2021. Collection method: clinical testing. Allele origin: germline. Affected: yes.
Comment: Nonsense variant in the C-terminus predicted to result in protein truncation, as the last 423 amino acids are lost, and other loss-of-function variants have been reported downstream in HGMD; Not observed at significant frequency in large population cohorts (gnomAD); This variant is associated with the following publications: (PMID: 20881294)